The following is an entry in ClinVar:

ClinVar aggregate classification (germline): Uncertain significance. Review status: criteria provided, multiple submitters, no conflicts (2 of 4 stars). 2 submissions from 2 submitters: Uncertain significance (2). Last evaluated 2025-10-22.

Submissions (2):

Ambry Genetics
Classification: Uncertain significance. Last evaluated: 2025-10-22. Review status: criteria provided, single submitter. Criteria: Ambry Variant Classification Scheme 2023. Collection method: clinical testing. Allele origin: germline.

Labcorp Genetics (formerly Invitae), Labcorp
Classification: Uncertain significance. Last evaluated: 2025-10-19. Review status: criteria provided, single submitter. Criteria: Invitae Variant Classification Sherloc (09022015). Collection method: clinical testing. Allele origin: germline.
Comment: This sequence change replaces proline, which is neutral and non-polar, with serine, which is neutral and polar, at codon 1682 of the SIPA1L3 protein (p.Pro1682Ser). This variant is present in population databases (rs761162876, gnomAD 0.02%). This variant has not been reported in the literature in individuals affected with SIPA1L3-related conditions. An algorithm developed to predict the effect of missense changes on protein structure and function (PolyPhen-2) suggests that this variant is likely to be tolerated. In summary, the available evidence is currently insufficient to determine the role of this variant in disease. Therefore, it has been classified as a Variant of Uncertain Significance.

NM_015073.3(SIPA1L3):c.5044C>T (p.Pro1682Ser)

Gene: SIPA1L3 (signal induced proliferation associated 1 like 3; plus strand). Cytogenetic location: 19q13.2.
Variant type: single nucleotide variant.
Coding change: c.5044C>T on transcript NM_015073.3 (MANE Select); coding-DNA position 5044, C replaced by T.
Protein change: p.Pro1682Ser; replaces proline 1682 with serine.
Molecular consequence: missense variant.
Genome position (GRCh38, 1-based): chr19:38,201,921, C>T. VCF-style: chr19-38201921-C-T. GRCh37 (hg19) VCF-style: chr19-38692561-C-T.
Other names: short protein forms P1682S.
Identifiers: ClinVar variation 4584064 (VCV004584064.2).